The following is an entry in ClinVar:

NM_018006.5(TRMU):c.649G>A (p.Glu217Lys)

Gene: TRMU (tRNA mitochondrial 2-thiouridylase; plus strand). Cytogenetic location: 22q13.31.
Variant type: single nucleotide variant.
Coding change: c.649G>A on transcript NM_018006.5 (MANE Select); coding-DNA position 649, G replaced by A.
Protein change: p.Glu217Lys; replaces glutamic acid 217 with lysine.
Molecular consequence: missense variant. On other transcripts: non-coding transcript variant (2).
Genome position (GRCh38, 1-based): chr22:46,350,461, G>A. VCF-style: chr22-46350461-G-A. GRCh37 (hg19) VCF-style: chr22-46746358-G-A.
Other names: c.307G>A, p.Glu103Lys (NM_001282782.2); c.229G>A, p.Glu77Lys (NM_001282783.2, NM_001282784.2); c.649G>A, p.Glu217Lys (NM_001282785.2); short protein forms E103K, E217K, E77K.
Identifiers: ClinVar variation 4278561 (VCV004278561.1).
Genomic context (GRCh38, chr22:46,350,461, plus strand): 5'-AAAGAGTTTGTAAAGAAAATCGCTGCTGAGAATAGACTTCATCATGTGCTTCAGAAGAAA[G>A]AGGTACGAGTGAGCAGTTGCCTTTGATTAGTGCCTGTTTCCCTTTCCCGACTGCATGGCA-3'
Protein context (NP_060476.2, residues 207-227): NRLHHVLQKK[Glu217Lys]SMGMCFIGKR

ClinVar aggregate classification (germline): Likely pathogenic (1 of 4 stars; one submission).

Submission:

GeneDx
Classification: Likely pathogenic. Last evaluated: 2025-04-05. Review status: criteria provided, single submitter. Criteria: GeneDx Variant Classification Process June 2021. Collection method: clinical testing. Allele origin: germline. Affected: yes.
Comment: Published functional studies suggest a reduction in relative 2-thiolation levels, protein levels, mRNA levels, and stability (PMID: 38113276); In silico analysis supports that this missense variant has a deleterious effect on protein structure/function; Not observed at significant frequency in large population cohorts (gnomAD); This variant is associated with the following publications: (PMID: 36305855, 23625533, 38113276)